The following is an entry in ClinVar:

ClinVar aggregate classification (germline): Pathogenic. Review status: criteria provided, multiple submitters, no conflicts (2 of 4 stars). 9 submissions from 9 submitters: Pathogenic (8). 1 of the submissions does not count toward it. Last evaluated 2026-01-09.

Conditions:
CEP290-related ciliopathy. Also called: CEP290 ciliopathy. Identifiers: MedGen CN305601, MONDO:0100451.
Nephronophthisis. Also called: Juvenile Nephronophthisis. Identifiers: Orphanet 655, MedGen C0687120, MONDO:0019005, HP:0000090.
Meckel-Gruber syndrome. Also called: DYSENCEPHALIA SPLANCHNOCYSTICA; GRUBER SYNDROME; Dysencephalia splachnocystica. Identifiers: Orphanet 564, MedGen C0265215, MONDO:0018921.
Joubert syndrome. Also called: Familial aplasia of the vermis; JOUBERT-BOLTSHAUSER SYNDROME. Identifiers: Orphanet 475, MedGen C5979921, MONDO:0018772.
CEP290-related disorder. Also called: CEP290-related condition; CEP290-related disorders. Identifiers: MedGen CN239314.
Retinal dystrophy. Also called: Inherited retinal dystrophy. Identifiers: Orphanet 71862, MedGen C0854723, MeSH D058499, MONDO:0019118, HP:0000556.
Bardet-Biedl syndrome 14 (BBS14). Identifiers: Orphanet 110, MedGen C2673874, MONDO:0014442, OMIM 615991.
Leber congenital amaurosis 10 (LCA10). Identifiers: Orphanet 65, MedGen C1857821, MONDO:0012723, OMIM 611755.
Joubert syndrome 5 (JBTS5). Identifiers: Orphanet 2318, MedGen C1857780, MONDO:0012432, OMIM 610188.
Senior-Loken syndrome 6 (SLSN6). Identifiers: Orphanet 3156, MedGen C1857779, MONDO:0012433, OMIM 610189.
Meckel syndrome, type 4 (MKS4). Also called: MECKEL-GRUBER SYNDROME, TYPE 4. Identifiers: Orphanet 564, MedGen C1970161, MONDO:0012626, OMIM 611134.
Leber congenital amaurosis (LCA). Also called: Leber's amaurosis. Identifiers: Orphanet 65, MedGen C0339527, MeSH D057130, MONDO:0018998.

Allele frequency attached by ClinVar (database versions not stated): gnomAD 0.00001; TOPMed 0.00001; gnomAD exomes 0.00002; ExAC 0.00007; ESP Exome Variant Server 0.00017.
gnomAD v4.1: 54 of 1,560,922 alleles (0.0035%); highest among the groups gnomAD compares: Non-Finnish European, 0.0044%; no homozygotes.

Submissions (9):

Labcorp Genetics (formerly Invitae), Labcorp
Classification: Pathogenic for Joubert syndrome; Meckel-Gruber syndrome; Nephronophthisis. Last evaluated: 2026-01-09. Review status: criteria provided, single submitter. Criteria: Invitae Variant Classification Sherloc (09022015). Collection method: clinical testing. Allele origin: germline.
Comment: This sequence change creates a premature translational stop signal (p.Leu594*) in the CEP290 gene. It is expected to result in an absent or disrupted protein product. Loss-of-function variants in CEP290 are known to be pathogenic (PMID: 16909394, 17345604, 20690115). This variant is present in population databases (rs371496675, gnomAD 0.006%). This premature translational stop signal has been observed in individual(s) with Leber congenital amaurosis (PMID: 27208204, 29178642). In at least one individual the data is consistent with being in trans (on the opposite chromosome) from a pathogenic variant. ClinVar contains an entry for this variant (Variation ID: 236468). Algorithms developed to predict the effect of sequence changes on RNA splicing suggest that this variant may disrupt the consensus splice site. For these reasons, this variant has been classified as Pathogenic.

Natera, Inc.
Classification: Pathogenic for Leber congenital amaurosis. Last evaluated: 2025-08-12. Review status: criteria provided, single submitter. Criteria: Natera Variant Classification Schema (03/2026). Collection method: clinical testing. Allele origin: germline.
Comment: The c.1781T>A variant in CEP290 is a nonsense variant predicted to introduce a stop codon at amino acid 594. This variant is expected to result in nonsense mediated decay, truncation, or a dysfunctional protein product. This variant is rare in the general population with a frequency below the threshold expected for the associated phenotype(s). This variant has been observed in one or more individuals affected with the associated recessive disease, as either homozygous or compound heterozygous with a second variant (PMID: 29178642). Given the available evidence, this variant is classified as Pathogenic.

Myriad Genetics, Inc.
Classification: Pathogenic for CEP290-related ciliopathy. Last evaluated: 2025-07-18. Review status: criteria provided, single submitter. Criteria: Myriad Autosomal Dominant, Autosomal Recessive and X-Linked Classification Criteria (2023). Collection method: clinical testing. Allele origin: unknown.
Comment: NM_025114.3(CEP290):c.1781T>A(L594*) is a nonsense variant classified as pathogenic in the context of CEP290-related disorders. L594* has been observed in cases with relevant disease (PMID: 29398085, 35168937). Relevant functional assessments of this variant are not available in the literature. L594* has been observed in referenced population frequency databases. In summary, NM_025114.3(CEP290):c.1781T>A(L594*) is a nonsense variant in a gene where loss of function is a known mechanism of disease, is predicted to disrupt protein function, and has been observed more frequently in cases with the relevant disease than in healthy populations. Please note: this variant was assessed in the context of healthy population screening.

PreventionGenetics, part of Exact Sciences
Classification: Pathogenic for CEP290-related condition. Last evaluated: 2024-12-09. Review status: criteria provided, single submitter. Criteria: ACMG Guidelines, 2015. Collection method: clinical testing. Allele origin: germline.
Comment: The CEP290 c.1781T>A variant is predicted to result in premature protein termination (p.Leu594*). This variant has been reported in the compound heterozygous state in individuals with Leber congenital amaurosis (Table S5, Ellingford et al 2016. PubMed ID: 27208204; Thompson et al. 2017. PubMed ID: 29178642; Sheck et al. 2018. PubMed ID: 29398085). This variant is present in 0.0041% of alleles in individuals of European (Non-Finnish) descent in gnomAD. Nonsense variants in CEP290 are an established mechanism of disease. This variant is interpreted as pathogenic.

Fulgent Genetics
Classification: Pathogenic for Joubert syndrome 5; Senior-Loken syndrome 6; Meckel syndrome, type 4; Leber congenital amaurosis 10; Bardet-Biedl syndrome 14. Last evaluated: 2024-04-12. Review status: criteria provided, single submitter. Criteria: ACMG Guidelines, 2015. Collection method: clinical testing. Allele origin: germline.

Baylor Genetics
Classification: Pathogenic for Bardet-Biedl syndrome 14. Last evaluated: 2024-01-22. Review status: criteria provided, single submitter. Criteria: ACMG Guidelines, 2015. Collection method: clinical testing. Allele origin: unknown.

Blueprint Genetics
Classification: Pathogenic for CEP290-related disorders. Last evaluated: 2021-09-28. Review status: criteria provided, single submitter. Criteria: ACMG Guidelines, 2015. Collection method: clinical testing. Allele origin: germline. Affected: yes. Observed: 5 variant alleles.

GeneDx
Classification: Pathogenic. Last evaluated: 2019-06-26. Review status: criteria provided, single submitter. Criteria: GeneDx Variant Classification Process June 2021. Collection method: clinical testing. Allele origin: germline. Affected: yes.
Comment: Nonsense variant predicted to result in protein truncation or nonsense mediated decay in a gene for which loss-of-function is a known mechanism of disease; Not observed at a significant frequency in large population cohorts (Lek et al., 2016); This variant is associated with the following publications: (PMID: 27208204, 29398085, 29178642, 31980526)

Centre for Genomic Medicine, Manchester, Central Manchester University Hospitals
Classification: Likely pathogenic for Retinal dystrophy. Review status: no assertion criteria provided. Collection method: clinical testing. Allele origin: germline. Affected: yes. Not counted in ClinVar's aggregate classification.

Literature cited by the submitters: PubMed 16909394 (cited by Labcorp Genetics (formerly Invitae), Labcorp); PubMed 17345604 (cited by Labcorp Genetics (formerly Invitae), Labcorp); PubMed 20690115 (cited by Labcorp Genetics (formerly Invitae), Labcorp); PubMed 27208204 (cited by Labcorp Genetics (formerly Invitae), Labcorp); PubMed 29178642 (cited by Labcorp Genetics (formerly Invitae), Labcorp and Natera, Inc.); PubMed 29398085 (cited by Myriad Genetics, Inc.); PubMed 35168937 (cited by Myriad Genetics, Inc.).

NM_025114.4(CEP290):c.1781T>A (p.Leu594Ter)

Gene: CEP290 (centrosomal protein 290; minus strand). Cytogenetic location: 12q21.32.
Variant type: single nucleotide variant.
Coding change: c.1781T>A on transcript NM_025114.4 (MANE Select); coding-DNA position 1781, T replaced by A.
Protein change: p.Leu594Ter; replaces leucine 594 with a stop codon.
Molecular consequence: nonsense.
Genome position (GRCh38, 1-based): chr12:88,117,076, A>T on the plus strand (T>A on the coding strand, the complement: CEP290 is on the minus strand). VCF-style: chr12-88117076-A-T. GRCh37 (hg19) VCF-style: chr12-88510853-A-T.
Other names: short protein forms L594*.
Identifiers: ClinVar variation 236468 (VCV000236468.20), dbSNP rs371496675, ClinGen allele CA6712475.